The following is an entry in ClinVar:

NM_003743.5(NCOA1):c.1724T>C (p.Ile575Thr)

Gene: NCOA1 (nuclear receptor coactivator 1; plus strand). Cytogenetic location: 2p23.3.
Variant type: single nucleotide variant.
Coding change: c.1724T>C on transcript NM_003743.5 (MANE Select); coding-DNA position 1724, T replaced by C.
Protein change: p.Ile575Thr; replaces isoleucine 575 with threonine.
Molecular consequence: missense variant.
Genome position (GRCh38, 1-based): chr2:24,707,194, T>C. VCF-style: chr2-24707194-T-C. GRCh37 (hg19) VCF-style: chr2-24930063-T-C.
Other names: c.1724T>C, p.Ile575Thr (NM_001362950.1, NM_001362952.1, NM_001362954.1 and 3 more transcripts); short protein forms I575T.
Identifiers: ClinVar variation 3183454 (VCV003183454.3), dbSNP rs201668820, ClinGen allele CA1552304.

ClinVar aggregate classification (germline): Uncertain significance. Review status: criteria provided, multiple submitters, no conflicts (2 of 4 stars). 2 submissions from 2 submitters: Uncertain significance (2). Last evaluated 2025-12-16.

Conditions:
NCOA1-related disorder. Also called: NCOA1-related condition.

Allele frequency attached by ClinVar (database versions not stated): ExAC 0.00004; gnomAD 0.00006.
gnomAD v4.1: 82 of 1,614,204 alleles (0.0051%); highest among the groups gnomAD compares: Middle Eastern, 0.099%; no homozygotes.

Submissions (2):

PreventionGenetics, part of Exact Sciences
Classification: Uncertain significance for NCOA1-related condition. Last evaluated: 2025-12-16. Review status: criteria provided, single submitter. Criteria: ACMG Guidelines, 2015. Collection method: clinical testing. Allele origin: germline.
Comment: The NCOA1 c.1724T>C variant is predicted to result in the amino acid substitution p.Ile575Thr. To our knowledge, this variant has not been reported in the literature. This variant is reported in 0.020% of alleles in individuals of African descent in gnomAD. At this time, the clinical significance of this variant is uncertain due to the absence of conclusive functional and genetic evidence.

Ambry Genetics
Classification: Uncertain significance. Last evaluated: 2024-01-23. Review status: criteria provided, single submitter. Criteria: Ambry Variant Classification Scheme 2023. Collection method: clinical testing. Allele origin: germline.